The following is an entry in ClinVar:

NM_000755.5(CRAT):c.631-3C>G

Gene: CRAT (carnitine O-acetyltransferase; minus strand). Cytogenetic location: 9q34.11.
Variant type: single nucleotide variant.
Coding change: c.631-3C>G on transcript NM_000755.5 (MANE Select); 3 bases into the intron before coding-DNA position 631, C replaced by G.
Molecular consequence: intron variant.
Genome position (GRCh38, 1-based): chr9:129,102,060, G>C on the plus strand (C>G on the coding strand, the complement: CRAT is on the minus strand). VCF-style: chr9-129102060-G-C. GRCh37 (hg19) VCF-style: chr9-131864339-G-C.
Other names: c.511-3C>G (NM_001346549.2); c.631-3C>G (NM_001346547.2); c.568-3C>G (NM_001346548.2, NM_001257363.3, NM_004003.4); c.634-3C>G (NM_001346546.2).
Identifiers: ClinVar variation 2853054 (VCV002853054.3), dbSNP rs767700154, ClinGen allele CA1129375544.

ClinVar aggregate classification (germline): Uncertain significance (1 of 4 stars; one submission).

Submission:

Labcorp Genetics (formerly Invitae), Labcorp
Classification: Uncertain significance. Last evaluated: 2023-04-07. Review status: criteria provided, single submitter. Criteria: Invitae Variant Classification Sherloc (09022015). Collection method: clinical testing. Allele origin: germline.
Comment: This sequence change falls in intron 5 of the CRAT gene. It does not directly change the encoded amino acid sequence of the CRAT protein. It affects a nucleotide within the consensus splice site. This variant is not present in population databases (gnomAD no frequency). This variant has not been reported in the literature in individuals affected with CRAT-related conditions. Variants that disrupt the consensus splice site are a relatively common cause of aberrant splicing (PMID: 17576681, 9536098). Algorithms developed to predict the effect of sequence changes on RNA splicing suggest that this variant may disrupt the consensus splice site. In summary, the available evidence is currently insufficient to determine the role of this variant in disease. Therefore, it has been classified as a Variant of Uncertain Significance.

Literature cited by the submitters: PubMed 17576681; PubMed 9536098.